The following is an entry in ClinVar:

ClinVar aggregate classification (germline): Pathogenic. Review status: reviewed by expert panel (3 of 4 stars). 2 submissions from 2 submitters: Pathogenic (1). 1 of the submissions does not count toward it. Last evaluated 2016-10-18.

Conditions:
Breast-ovarian cancer, familial, susceptibility to, 1 (BROVCA1). Also called: BRCA1 Hereditary Breast and Ovarian Cancer; OVARIAN CANCER, SUSCEPTIBILITY TO. Identifiers: Orphanet 145, MedGen C2676676, MONDO:0011450, OMIM 604370. Disease mechanism: loss of function.

Submissions (2):

Evidence-based Network for the Interpretation of Germline Mutant Alleles (ENIGMA)
Classification: Pathogenic for Breast-ovarian cancer, familial, susceptibility to, 1. Last evaluated: 2016-10-18. Review status: reviewed by expert panel. Criteria: ENIGMA BRCA1/2 Classification Criteria (2015). Collection method: curation. Allele origin: germline.
Comment: Variant allele predicted to encode a truncated non-functional protein.

Consortium of Investigators of Modifiers of BRCA1/2 (CIMBA), c/o University of Cambridge
Classification: Pathogenic for Breast-ovarian cancer, familial, susceptibility to, 1. Last evaluated: 2015-10-02. Review status: criteria provided, single submitter. Criteria: CIMBA Mutation Classification guidelines May 2016. Collection method: clinical testing. Allele origin: germline. Not counted in ClinVar's aggregate classification.

NM_007294.4(BRCA1):c.372del (p.Ile125fs)

Gene: BRCA1 (BRCA1 DNA repair associated; minus strand). Cytogenetic location: 17q21.31.
Variant type: Deletion.
Coding change: c.372del on transcript NM_007294.4 (MANE Select); coding-DNA position 372, one base deleted (C; older notation c.372delC).
Protein change: p.Ile125fs; shifts the reading frame from isoleucine 125.
Molecular consequence: frameshift variant. On other transcripts: non-coding transcript variant (1).
Genome position (GRCh38, 1-based): chr17:43,104,191, G deleted on the plus strand (C on the coding strand, the reverse complement: BRCA1 is on the minus strand). VCF-style (leftmost placement, unchanged base first): chr17-43104190-TG-T. GRCh37 (hg19) VCF-style: chr17-41256207-TG-T.
Other names: 491delC; c.372delC, p.Ile125Serfs (NM_001407940.1, NM_001407941.1, NM_001407968.1 and 164 more transcripts); c.231delC, p.Ile78Serfs (NM_001407942.1, NM_001407943.1, NM_001407944.1 and 98 more transcripts); c.162delC, p.Ile55Serfs (NM_001407946.1, NM_001407947.1, NM_001407948.1 and 58 more transcripts); c.-10delC (NM_001407959.1, NM_001407960.1, NM_001407962.1 and 4 more transcripts); c.363delC, p.Ile122Serfs (NM_001408408.1, NM_001407646.1, NM_001407647.1); c.294delC, p.Ile99Serfs (NM_001408409.1, NM_001408411.1, NM_001408412.1 and 21 more transcripts); c.240delC, p.Ile81Serfs (NM_001408451.1); and 2 more; short protein forms I78fs, I125fs.
Identifiers: ClinVar variation 266400 (VCV000266400.6), dbSNP rs886040160, ClinGen allele CA10590015.